The following is an entry in ClinVar:

NM_002907.4(RECQL):c.1560G>A (p.Met520Ile)

Gene: RECQL (RecQ like helicase; minus strand). Cytogenetic location: 12p12.1.
Variant type: single nucleotide variant.
Coding change: c.1560G>A on transcript NM_002907.4 (MANE Select); coding-DNA position 1560, G replaced by A.
Protein change: p.Met520Ile; replaces methionine 520 with isoleucine.
Molecular consequence: missense variant.
Genome position (GRCh38, 1-based): chr12:21,471,535, C>T on the plus strand (G>A on the coding strand, the complement: RECQL is on the minus strand). VCF-style: chr12-21471535-C-T. GRCh37 (hg19) VCF-style: chr12-21624469-C-T.
Other names: c.1560G>A, p.Met520Ile (NM_032941.3); short protein forms M520I.
Identifiers: ClinVar variation 4863119 (VCV004863119.1).

ClinVar aggregate classification (germline): Uncertain significance (1 of 4 stars; one submission).

gnomAD v4.1: 1 of 1,612,246 alleles (0.000062%); highest among the groups gnomAD compares: Non-Finnish European, 0.000085%; no homozygotes.

Submission:

Ambry Genetics
Classification: Uncertain significance. Last evaluated: 2026-04-24. Review status: criteria provided, single submitter. Criteria: Ambry Variant Classification Scheme 2023. Collection method: clinical testing. Allele origin: germline.
Comment: The p.M520I variant (also known as c.1560G>A), located in coding exon 12 of the RECQL gene, results from a G to A substitution at nucleotide position 1560. The methionine at codon 520 is replaced by isoleucine, an amino acid with highly similar properties. This amino acid position is conserved. In addition, this alteration is predicted to be tolerated by in silico analysis. Based on the available evidence, the clinical significance of this variant remains unclear.